The following is an entry in ClinVar:

NM_152564.5(VPS13B):c.9273A>G (p.Pro3091=)

Gene: VPS13B (vacuolar protein sorting 13 homolog B; plus strand). Cytogenetic location: 8q22.2.
Variant type: single nucleotide variant.
Coding change: c.9273A>G on transcript NM_152564.5 (MANE Select); coding-DNA position 9273, A replaced by G.
Protein change: p.Pro3091=; no amino-acid change (proline 3091 retained).
Molecular consequence: synonymous variant.
Genome position (GRCh38, 1-based): chr8:99,823,921, A>G. VCF-style: chr8-99823921-A-G. GRCh37 (hg19) VCF-style: chr8-100836149-A-G.
Other names: c.9273A>G (NM_152564.4); c.9348A>G, p.Pro3116= (NM_017890.5).
Identifiers: ClinVar variation 1147096 (VCV001147096.10), dbSNP rs1345326650, ClinGen allele CA462340386.
Genomic context (GRCh38, chr8:99,823,921, plus strand): 5'-ACAGCAAGGTATACAAATTATTCAGATTGAAGACAAGACTACAATAATCAATAATACACC[A>G]TATCAAATATTTTATAAACCACAGCTATCTGTCTGCAATCCCCATTCTGGAAAGGAGGTA-3'
Protein context (NP_689777.3, residues 3081-3101): EDKTTIINNT[Pro3091=]YQIFYKPQLS

ClinVar aggregate classification (germline): Likely benign. Review status: criteria provided, multiple submitters, no conflicts (2 of 4 stars). 2 submissions from 2 submitters: Likely benign (2). Last evaluated 2026-08-21.

Conditions:
Cohen syndrome (COH1). Also called: Cutis verticis gyrata, retinitis pigmentosa, and sensorineural deafness; PEPPER SYNDROME. Identifiers: Orphanet 193, MedGen C0265223, MONDO:0008999, OMIM 216550.
VPS13B-related disorder. Also called: VPS13B-related condition.

Allele frequency attached by ClinVar (database versions not stated): gnomAD exomes below 0.00001; TOPMed below 0.00001.
gnomAD v4.1: 4 of 1,613,408 alleles (0.00025%); highest among the groups gnomAD compares: Admixed American, 0.0017%; no homozygotes.

Submissions (2):

PreventionGenetics, part of Exact Sciences
Classification: Likely benign for VPS13B-related condition. Last evaluated: 2026-08-21. Review status: criteria provided, single submitter. Criteria: ACMG Guidelines, 2015. Collection method: clinical testing. Allele origin: germline.
Comment: This variant is classified as likely benign based on ACMG/AMP sequence variant interpretation guidelines (Richards et al. 2015 PMID: 25741868, with internal and published modifications).

Labcorp Genetics (formerly Invitae), Labcorp
Classification: Likely benign for Cohen syndrome. Last evaluated: 2025-03-17. Review status: criteria provided, single submitter. Criteria: Invitae Variant Classification Sherloc (09022015). Collection method: clinical testing. Allele origin: germline.